The following is an entry in ClinVar:

NM_005337.5(NCKAP1L):c.1400C>G (p.Ser467Cys)

Gene: NCKAP1L (NCK associated protein 1 like; plus strand). Cytogenetic location: 12q13.2.
Variant type: single nucleotide variant.
Coding change: c.1400C>G on transcript NM_005337.5 (MANE Select); coding-DNA position 1400, C replaced by G.
Protein change: p.Ser467Cys; replaces serine 467 with cysteine.
Molecular consequence: missense variant.
Genome position (GRCh38, 1-based): chr12:54,518,712, C>G. VCF-style: chr12-54518712-C-G. GRCh37 (hg19) VCF-style: chr12-54912496-C-G.
Other names: c.1250C>G, p.Ser417Cys (NM_001184976.2); short protein forms S417C, S467C.
Identifiers: ClinVar variation 2023271 (VCV002023271.4), dbSNP rs1565677251, ClinGen allele CA385136910.

ClinVar aggregate classification (germline): Uncertain significance (1 of 4 stars; one submission).

Submission:

Labcorp Genetics (formerly Invitae), Labcorp
Classification: Uncertain significance. Last evaluated: 2022-08-09. Review status: criteria provided, single submitter. Criteria: Invitae Variant Classification Sherloc (09022015). Collection method: clinical testing. Allele origin: germline.
Comment: In summary, the available evidence is currently insufficient to determine the role of this variant in disease. Therefore, it has been classified as a Variant of Uncertain Significance. Algorithms developed to predict the effect of missense changes on protein structure and function are either unavailable or do not agree on the potential impact of this missense change (SIFT: "Deleterious"; PolyPhen-2: "Probably Damaging"; Align-GVGD: "Class C15"). This variant has not been reported in the literature in individuals affected with NCKAP1L-related conditions. This variant is not present in population databases (gnomAD no frequency). This sequence change replaces serine, which is neutral and polar, with cysteine, which is neutral and slightly polar, at codon 467 of the NCKAP1L protein (p.Ser467Cys).